The following is an entry in ClinVar:

ClinVar aggregate classification (germline): Uncertain significance (1 of 4 stars; one submission).

Allele frequency attached by ClinVar (database versions not stated): gnomAD exomes 0.00001; gnomAD 0.00002; TOPMed 0.00002.

Submission:

Labcorp Genetics (formerly Invitae), Labcorp
Classification: Uncertain significance. Last evaluated: 2023-01-03. Review status: criteria provided, single submitter. Criteria: Invitae Variant Classification Sherloc (09022015). Collection method: clinical testing. Allele origin: germline.
Comment: This variant has not been reported in the literature in individuals affected with GZF1-related conditions. In summary, the available evidence is currently insufficient to determine the role of this variant in disease. Therefore, it has been classified as a Variant of Uncertain Significance. Algorithms developed to predict the effect of missense changes on protein structure and function are either unavailable or do not agree on the potential impact of this missense change (SIFT: "Not Available"; PolyPhen-2: "Benign"; Align-GVGD: "Not Available"). This variant is present in population databases (no rsID available, gnomAD 0.0009%). This sequence change replaces glycine, which is neutral and non-polar, with alanine, which is neutral and non-polar, at codon 354 of the GZF1 protein (p.Gly354Ala).

NM_022482.5(GZF1):c.1061G>C (p.Gly354Ala)

Gene: GZF1 (GDNF inducible zinc finger protein 1; plus strand). Cytogenetic location: 20p11.21.
Variant type: single nucleotide variant.
Coding change: c.1061G>C on transcript NM_022482.5 (MANE Select); coding-DNA position 1061, G replaced by C.
Protein change: p.Gly354Ala; replaces glycine 354 with alanine.
Molecular consequence: missense variant.
Genome position (GRCh38, 1-based): chr20:23,365,444, G>C. VCF-style: chr20-23365444-G-C. GRCh37 (hg19) VCF-style: chr20-23346081-G-C.
Other names: c.1061G>C, p.Gly354Ala (NM_001317012.2, NM_001317019.1); short protein forms G354A.
Identifiers: ClinVar variation 2890863 (VCV002890863.3), dbSNP rs1344692441, ClinGen allele CA408410952.